The following is an entry in ClinVar:

NM_015512.5(DNAH1):c.460A>C (p.Ile154Leu)

Gene: DNAH1 (dynein axonemal heavy chain 1; plus strand). Cytogenetic location: 3p21.1.
Variant type: single nucleotide variant.
Coding change: c.460A>C on transcript NM_015512.5 (MANE Select); coding-DNA position 460, A replaced by C.
Protein change: p.Ile154Leu; replaces isoleucine 154 with leucine.
Molecular consequence: missense variant.
Genome position (GRCh38, 1-based): chr3:52,326,193, A>C. VCF-style: chr3-52326193-A-C. GRCh37 (hg19) VCF-style: chr3-52360209-A-C.
Other names: c.460A>C (NM_015512.4); short protein forms I154L.
Identifiers: ClinVar variation 2157107 (VCV002157107.3), dbSNP rs776727806, ClinGen allele CA2432646.

ClinVar aggregate classification (germline): Uncertain significance. Review status: criteria provided, multiple submitters, no conflicts (2 of 4 stars). 3 submissions from 3 submitters: Uncertain significance (3). Last evaluated 2024-10-25.

Conditions:
Spermatogenic failure 18. Identifiers: MedGen C4539783, MONDO:0054615, OMIM 617576.
Ciliary dyskinesia, primary, 37 (CILD37). Also called: CILIARY DYSKINESIA, PRIMARY, 37, WITH OR WITHOUT SITUS INVERSUS. Identifiers: MedGen C4539798, MONDO:0033204, OMIM 617577.

Allele frequency attached by ClinVar (database versions not stated): gnomAD 0.00001; TOPMed 0.00002; ExAC 0.00004.
gnomAD v4.1: 15 of 1,612,824 alleles (0.00093%); highest among the groups gnomAD compares: Non-Finnish European, 0.00034%; no homozygotes.

Submissions (3):

Ambry Genetics
Classification: Uncertain significance. Last evaluated: 2024-10-25. Review status: criteria provided, single submitter. Criteria: Ambry Variant Classification Scheme 2023. Collection method: clinical testing. Allele origin: germline.

Labcorp Genetics (formerly Invitae), Labcorp
Classification: Uncertain significance for Ciliary dyskinesia, primary, 37; Spermatogenic failure 18. Last evaluated: 2022-06-13. Review status: criteria provided, single submitter. Criteria: Invitae Variant Classification Sherloc (09022015). Collection method: clinical testing. Allele origin: germline.
Comment: This sequence change replaces isoleucine, which is neutral and non-polar, with leucine, which is neutral and non-polar, at codon 154 of the DNAH1 protein (p.Ile154Leu). This variant is present in population databases (rs776727806, gnomAD 0.06%). This variant has not been reported in the literature in individuals affected with DNAH1-related conditions. Algorithms developed to predict the effect of missense changes on protein structure and function (SIFT, PolyPhen-2, Align-GVGD) all suggest that this variant is likely to be tolerated. In summary, the available evidence is currently insufficient to determine the role of this variant in disease. Therefore, it has been classified as a Variant of Uncertain Significance.

Blueprint Genetics
Classification: Uncertain significance. Last evaluated: 2022-03-27. Review status: criteria provided, single submitter. Criteria: ACMG Guidelines, 2015. Collection method: clinical testing. Allele origin: germline.